The following is an entry in ClinVar:

ClinVar aggregate classification (germline): Uncertain significance (1 of 4 stars; one submission).

Conditions:
Inborn genetic diseases. Identifiers: MedGen C0950123, MeSH D030342.

Submission:

Ambry Genetics
Classification: Uncertain significance for Inborn genetic diseases. Last evaluated: 2026-07-25. Review status: criteria provided, single submitter. Criteria: Ambry Variant Classification Scheme 2023. Collection method: clinical testing. Allele origin: germline.
Comment: The p.S1208F variant (also known as c.3623C>T), located in coding exon 17 of the MECOM gene, results from a C to T substitution at nucleotide position 3623. The serine at codon 1208 is replaced by phenylalanine, an amino acid with highly dissimilar properties. This amino acid position is conserved. In addition, the in silico prediction for this alteration is inconclusive. Based on the available evidence, the clinical significance of this variant remains unclear.

NM_004991.4(MECOM):c.3623C>T (p.Ser1208Phe)

Gene: MECOM (MDS1 and EVI1 complex locus; minus strand). Cytogenetic location: 3q26.2.
Variant type: single nucleotide variant.
Coding change: c.3623C>T on transcript NM_004991.4 (MANE Select); coding-DNA position 3623, C replaced by T.
Protein change: p.Ser1208Phe; replaces serine 1208 with phenylalanine.
Molecular consequence: missense variant.
Genome position (GRCh38, 1-based): chr3:169,085,006, G>A on the plus strand (C>T on the coding strand, the complement: MECOM is on the minus strand). VCF-style: chr3-169085006-G-A. GRCh37 (hg19) VCF-style: chr3-168802794-G-A.
Other names: c.3059C>T, p.Ser1020Phe (NM_001366469.2, NM_005241.4, NM_001105078.4 and 1 more transcripts); c.3035C>T, p.Ser1012Phe (NM_001366470.2, NM_001163999.2); c.3032C>T, p.Ser1011Phe (NM_001366471.2, NM_001366472.2, NM_001164000.2); c.2624C>T, p.Ser875Phe (NM_001366473.2); c.2060C>T, p.Ser687Phe (NM_001366474.2); c.3254C>T, p.Ser1085Phe (NM_001105077.4); c.3596C>T, p.Ser1199Phe (NM_001366466.2); c.3062C>T, p.Ser1021Phe (NM_001366467.2, NM_001366468.2); short protein forms S1011F, S1012F, S1021F, S1199F, S687F, S1020F, S1085F, S1208F.
Identifiers: ClinVar variation 5024151 (VCV005024151.1).